The following is an entry in ClinVar:

NM_001267550.2(TTN):c.28312C>T (p.Arg9438Ter)

Gene: TTN (titin; minus strand). Cytogenetic location: 2q31.2.
Variant type: single nucleotide variant.
Coding change: c.28312C>T on transcript NM_001267550.2 (MANE Select); coding-DNA position 28312, C replaced by T.
Protein change: p.Arg9438Ter; replaces arginine 9438 with a stop codon.
Molecular consequence: nonsense. On other transcripts: intron variant (3).
Genome position (GRCh38, 1-based): chr2:178,710,785, G>A on the plus strand (C>T on the coding strand, the complement: TTN is on the minus strand). VCF-style: chr2-178710785-G-A. GRCh37 (hg19) VCF-style: chr2-179575512-G-A.
Other names: c.27361C>T, p.Arg9121Ter (NM_001256850.1); c.24580C>T, p.Arg8194Ter (NM_133378.4); c.13282+27297C>T (NM_003319.4); c.13858+27297C>T (NM_133437.4); c.13657+27297C>T (NM_133432.3); short protein forms R8194*, R9121*, R9438*.
Identifiers: ClinVar variation 3763448 (VCV003763448.2).

ClinVar aggregate classification (germline): Likely pathogenic (1 of 4 stars; one submission).

Conditions:
Autosomal recessive limb-girdle muscular dystrophy type 2J (LGMDR10). Also called: Limb-girdle muscular dystrophy, type 2J; MUSCULAR DYSTROPHY, LIMB-GIRDLE, AUTOSOMAL RECESSIVE 10. Identifiers: Orphanet 140922, MedGen C1837342, MONDO:0012127, OMIM 608807.
Dilated cardiomyopathy 1G (CMD1G). Identifiers: Orphanet 154, MedGen C1858763, MONDO:0011400, OMIM 604145.

gnomAD v4.1: 3 of 1,613,774 alleles (0.00019%); highest among the groups gnomAD compares: East Asian, 0.0022%; no homozygotes.

Submission:

Labcorp Genetics (formerly Invitae), Labcorp
Classification: Likely pathogenic for Dilated cardiomyopathy 1G; Autosomal recessive limb-girdle muscular dystrophy type 2J. Last evaluated: 2024-10-15. Review status: criteria provided, single submitter. Criteria: Invitae Variant Classification Sherloc (09022015). Collection method: clinical testing. Allele origin: germline.
Comment: This sequence change creates a premature translational stop signal (p.Arg9438*) in the TTN gene. While this is not anticipated to result in nonsense mediated decay, it is expected to create a truncated TTN protein. This variant is present in population databases (no rsID available, gnomAD 0.007%). This variant has not been reported in the literature in individuals affected with TTN-related conditions. This variant is located in the I band of TTN (PMID: 25589632). Truncating variants in this region have been reported in individuals affected with autosomal recessive centronuclear myopathy (PMID: 23975875, internal data). Truncating variants in this region have also been identified in individuals affected with autosomal dominant dilated cardiomyopathy and/or cardio-related conditions (PMID: 27869827, 32964742, internal data). In summary, the currently available evidence indicates that the variant is pathogenic, but additional data are needed to prove that conclusively. Therefore, this variant has been classified as Likely Pathogenic.

Literature cited by the submitters: PubMed 25589632; PubMed 23975875; PubMed 27869827; PubMed 32964742.